The following is an entry in ClinVar:

NM_032866.5(CGNL1):c.2322T>C (p.His774=)

Gene: CGNL1 (cingulin like 1; plus strand). Cytogenetic location: 15q21.3.
Variant type: single nucleotide variant.
Coding change: c.2322T>C on transcript NM_032866.5 (MANE Select); coding-DNA position 2322, T replaced by C.
Protein change: p.His774=; no amino-acid change (histidine 774 retained).
Molecular consequence: synonymous variant.
Genome position (GRCh38, 1-based): chr15:57,461,811, T>C. VCF-style: chr15-57461811-T-C. GRCh37 (hg19) VCF-style: chr15-57754009-T-C.
Other names: c.2322T>C, p.His774= (NM_001252335.2).
Identifiers: ClinVar variation 100883 (VCV000100883.3), dbSNP rs483352760, ClinGen allele CA229193.

ClinVar aggregate classification (germline): Likely pathogenic. Review status: no assertion criteria provided (0 of 4 stars). 2 submissions from 1 submitter: Likely pathogenic (1). 1 of the submissions does not count toward it.

Allele frequency attached by ClinVar (database versions not stated): gnomAD exomes below 0.00001; gnomAD 0.00001; TOPMed 0.00001.
gnomAD v4.1: 4 of 1,613,922 alleles (0.00025%); highest among the groups gnomAD compares: East Asian, 0.0022%; no homozygotes.

Submissions (2):

Richard Lifton Laboratory, Yale University School of Medicine
Classification: Likely pathogenic. Review status: no assertion criteria provided. Collection method: not provided. Allele origin: somatic.
Comment: CGNL1:p.H774H
ClinVar note: Converted during submission from probable-pathogenic to Likely pathogenic.

Richard Lifton Laboratory, Yale University School of Medicine
Classification: Uncertain significance. Review status: flagged submission. Collection method: not provided. Allele origin: somatic. Not counted in ClinVar's aggregate classification.
ClinVar note: Converted during submission from unknown to Uncertain significance.
ClinVar note: Reason: This record appears to be redundant with a more recent record from the same submitter.
ClinVar note: Notes: SCV000120108 appears to be redundant with SCV000155212.